The following is an entry in ClinVar:

NM_001292063.2(OTOG):c.1837G>T (p.Val613Leu)

Gene: OTOG (otogelin; plus strand). Cytogenetic location: 11p15.1.
Variant type: single nucleotide variant.
Coding change: c.1837G>T on transcript NM_001292063.2 (MANE Select); coding-DNA position 1837, G replaced by T.
Protein change: p.Val613Leu; replaces valine 613 with leucine.
Molecular consequence: missense variant.
Genome position (GRCh38, 1-based): chr11:17,570,272, G>T. VCF-style: chr11-17570272-G-T. GRCh37 (hg19) VCF-style: chr11-17591819-G-T.
Other names: c.1873G>T, p.Val625Leu (NM_001277269.2); short protein forms V613L, V625L.
Identifiers: ClinVar variation 2082912 (VCV002082912.4), dbSNP rs555426307, ClinGen allele CA5905543.

ClinVar aggregate classification (germline): Uncertain significance (1 of 4 stars; one submission).

Allele frequency attached by ClinVar (database versions not stated): ExAC 0.00006; 1000 Genomes Project 30x 0.00016; 1000 Genomes Project 0.00040.
gnomAD v4.1: 56 of 1,550,864 alleles (0.0036%); highest among the groups gnomAD compares: Non-Finnish European, 0.0045%; no homozygotes.

Submission:

Labcorp Genetics (formerly Invitae), Labcorp
Classification: Uncertain significance. Last evaluated: 2023-05-22. Review status: criteria provided, single submitter. Criteria: Invitae Variant Classification Sherloc (09022015). Collection method: clinical testing. Allele origin: germline.
Comment: This sequence change replaces valine, which is neutral and non-polar, with leucine, which is neutral and non-polar, at codon 625 of the OTOG protein (p.Val625Leu). This variant is present in population databases (rs555426307, gnomAD 0.009%). This variant has not been reported in the literature in individuals affected with OTOG-related conditions. ClinVar contains an entry for this variant (Variation ID: 2082912). An algorithm developed to predict the effect of missense changes on protein structure and function (PolyPhen-2) suggests that this variant is likely to be tolerated. In summary, the available evidence is currently insufficient to determine the role of this variant in disease. Therefore, it has been classified as a Variant of Uncertain Significance.